The following is an entry in ClinVar:

ClinVar aggregate classification (germline): Uncertain significance (1 of 4 stars; one submission).

Conditions:
Cohen syndrome (COH1). Also called: Cutis verticis gyrata, retinitis pigmentosa, and sensorineural deafness; PEPPER SYNDROME. Identifiers: Orphanet 193, MedGen C0265223, MONDO:0008999, OMIM 216550.

Allele frequency attached by ClinVar (database versions not stated): gnomAD exomes below 0.00001.
gnomAD v4.1: 1 of 1,614,232 alleles (0.000062%); highest among the groups gnomAD compares: Non-Finnish European, 0.000085%; no homozygotes.

Submission:

Labcorp Genetics (formerly Invitae), Labcorp
Classification: Uncertain significance for Cohen syndrome. Last evaluated: 2020-01-22. Review status: criteria provided, single submitter. Criteria: Invitae Variant Classification Sherloc (09022015). Collection method: clinical testing. Allele origin: germline.
Comment: In summary, the available evidence is currently insufficient to determine the role of this variant in disease. Therefore, it has been classified as a Variant of Uncertain Significance. Algorithms developed to predict the effect of missense changes on protein structure and function are either unavailable or do not agree on the potential impact of this missense change (SIFT: "Not Available"; PolyPhen-2: "Benign"; Align-GVGD: "Not Available"). This variant has not been reported in the literature in individuals with VPS13B-related conditions. This variant is not present in population databases (ExAC no frequency). This sequence change replaces serine with arginine at codon 3552 of the VPS13B protein (p.Ser3552Arg). The serine residue is weakly conserved and there is a moderate physicochemical difference between serine and arginine.

NM_152564.5(VPS13B):c.10579A>C (p.Ser3527Arg)

Gene: VPS13B (vacuolar protein sorting 13 homolog B; plus strand). Cytogenetic location: 8q22.2.
Variant type: single nucleotide variant.
Coding change: c.10579A>C on transcript NM_152564.5 (MANE Select); coding-DNA position 10579, A replaced by C.
Protein change: p.Ser3527Arg; replaces serine 3527 with arginine.
Molecular consequence: missense variant.
Genome position (GRCh38, 1-based): chr8:99,853,968, A>C. VCF-style: chr8-99853968-A-C. GRCh37 (hg19) VCF-style: chr8-100866196-A-C.
Other names: c.10654A>C, p.Ser3552Arg (NM_017890.5); short protein forms S3527R, S3552R.
Identifiers: ClinVar variation 1024542 (VCV001024542.7), dbSNP rs1816423653, ClinGen allele CA371784116.
Genomic context (GRCh38, chr8:99,853,968, plus strand): 5'-TACGTGGAAGACACATTTGTATACTACATCAAGACTTTGTTTGACACCTACCTTCCTAAC[A>C]GCAGGTTGGCTGGTCACTCCACACACCTCTCCGGGGGTAAACAGGTGTTGCCCATGCAGG-3'
Protein context (NP_689777.3, residues 3517-3537): KTLFDTYLPN[Ser3527Arg]RLAGHSTHLS